The following is an entry in ClinVar:

ClinVar aggregate classification (germline): Uncertain significance (1 of 4 stars; one submission).

Submission:

GeneDx
Classification: Uncertain significance. Last evaluated: 2024-12-16. Review status: criteria provided, single submitter. Criteria: GeneDx Variant Classification Process June 2021. Collection method: clinical testing. Allele origin: germline. Affected: yes.
Comment: Not observed at significant frequency in large population cohorts (gnomAD); In silico analysis supports that this missense variant has a deleterious effect on protein structure/function; Has not been previously published as pathogenic or benign to our knowledge

NM_001367721.1(CASK):c.2282C>T (p.Thr761Ile)

Gene: CASK (calcium/calmodulin dependent serine protein kinase; minus strand). Cytogenetic location: Xp11.4.
Variant type: single nucleotide variant.
Coding change: c.2282C>T on transcript NM_001367721.1 (MANE Select); coding-DNA position 2282, C replaced by T.
Protein change: p.Thr761Ile; replaces threonine 761 with isoleucine.
Molecular consequence: missense variant.
Genome position (GRCh38, 1-based): chrX:41,534,741, G>A on the plus strand (C>T on the coding strand, the complement: CASK is on the minus strand). VCF-style: chrX-41534741-G-A. GRCh37 (hg19) VCF-style: chrX-41393994-G-A.
Other names: c.2198C>T, p.Thr733Ile (NM_001126054.3); c.2195C>T, p.Thr732Ile (NM_001126055.3); c.2264C>T, p.Thr755Ile (NM_001410745.1); c.2267C>T, p.Thr756Ile (NM_003688.4); short protein forms T732I, T733I, T755I, T756I, T761I.
Identifiers: ClinVar variation 3903126 (VCV003903126.1).